The following is an entry in ClinVar:

ClinVar aggregate classification (germline): Benign/Likely benign. Review status: criteria provided, multiple submitters, no conflicts (2 of 4 stars). 5 submissions from 5 submitters: Benign (2); Likely benign (2). 1 of the submissions does not count toward it. Last evaluated 2025-12-16.

Conditions:
EP300-related disorder. Also called: EP300-related disorders; EP300-related condition.
Rubinstein-Taybi syndrome due to EP300 haploinsufficiency. Also called: EP300-Related Rubinstein-Taybi Syndrome; RUBINSTEIN-TAYBI SYNDROME 2. Identifiers: Orphanet 353284, Orphanet 783, MedGen C3150941, MONDO:0013364, OMIM 613684.

Allele frequency attached by ClinVar (database versions not stated): gnomAD 0.00013; 1000 Genomes Project 30x 0.00031; TOPMed 0.00037; 1000 Genomes Project 0.00040.
gnomAD v4.1: 365 of 1,613,904 alleles (0.023%); highest among the groups gnomAD compares: East Asian, 0.67%; 3 homozygotes.

Submissions (5):

Labcorp Genetics (formerly Invitae), Labcorp
Classification: Benign for Rubinstein-Taybi syndrome due to EP300 haploinsufficiency. Last evaluated: 2025-12-16. Review status: criteria provided, single submitter. Criteria: Invitae Variant Classification Sherloc (09022015). Collection method: clinical testing. Allele origin: germline.

Blueprint Genetics
Classification: Likely benign. Last evaluated: 2024-10-08. Review status: criteria provided, single submitter. Criteria: ACMG Guidelines, 2015. Collection method: clinical testing. Allele origin: germline.

GeneDx
Classification: Benign. Last evaluated: 2020-03-31. Review status: criteria provided, single submitter. Criteria: GeneDx Variant Classification Process June 2021. Collection method: clinical testing. Allele origin: germline. Affected: yes.

Genetic Services Laboratory, University of Chicago
Classification: Likely benign. Last evaluated: 2016-01-22. Review status: criteria provided, single submitter. Criteria: ACMG Guidelines, 2015. Collection method: clinical testing. Allele origin: germline. Affected: no.

PreventionGenetics, part of Exact Sciences
Classification: Likely benign for EP300-related condition. Last evaluated: 2019-04-29. Review status: no assertion criteria provided. Collection method: clinical testing. Allele origin: germline. Not counted in ClinVar's aggregate classification.
Comment: This variant is classified as likely benign based on ACMG/AMP sequence variant interpretation guidelines (Richards et al. 2015 PMID: 25741868, with internal and published modifications).

NM_001429.4(EP300):c.1782G>C (p.Thr594=)

Gene: EP300 (EP300 lysine acetyltransferase; plus strand). Cytogenetic location: 22q13.2.
Variant type: single nucleotide variant.
Coding change: c.1782G>C on transcript NM_001429.4 (MANE Select); coding-DNA position 1782, G replaced by C.
Protein change: p.Thr594=; no amino-acid change (threonine 594 retained).
Molecular consequence: synonymous variant.
Genome position (GRCh38, 1-based): chr22:41,140,161, G>C. VCF-style: chr22-41140161-G-C. GRCh37 (hg19) VCF-style: chr22-41536165-G-C.
Other names: c.1782G>C, p.Thr594= (NM_001362843.2).
Identifiers: ClinVar variation 158557 (VCV000158557.20), dbSNP rs17002307, ClinGen allele CA271489.